The following is an entry in ClinVar:

NM_001130987.2(DYSF):c.3322C>T (p.Arg1108Cys)

Gene: DYSF (dysferlin; plus strand). Cytogenetic location: 2p13.2.
Variant type: single nucleotide variant.
Coding change: c.3322C>T on transcript NM_001130987.2 (MANE Select); coding-DNA position 3322, C replaced by T.
Protein change: p.Arg1108Cys; replaces arginine 1108 with cysteine.
Molecular consequence: missense variant.
Genome position (GRCh38, 1-based): chr2:71,574,291, C>T. VCF-style: chr2-71574291-C-T. GRCh37 (hg19) VCF-style: chr2-71801421-C-T.
Other names: c.3271C>T, p.Arg1091Cys (NM_001130455.2, NM_001130983.2); c.3226C>T, p.Arg1076Cys (NM_001130976.2, NM_001130977.2); c.3268C>T, p.Arg1090Cys (NM_001130978.2, NM_003494.4); c.3361C>T, p.Arg1121Cys (NM_001130979.2); c.3319C>T, p.Arg1107Cys (NM_001130980.2, NM_001130981.2); c.3364C>T, p.Arg1122Cys (NM_001130982.2); c.3229C>T, p.Arg1077Cys (NM_001130984.2, NM_001130986.2); c.3322C>T, p.Arg1108Cys (NM_001130985.2); short protein forms R1090C, R1108C, R1091C, R1107C, R1121C, R1077C, R1076C, R1122C.
Identifiers: ClinVar variation 285577 (VCV000285577.12), dbSNP rs377079619, ClinGen allele CA1706520.
Genomic context (GRCh38, chr2:71,574,291, plus strand): 5'-GAGTACGCCTCTCTTTTTGGCTGGAAGTTCCACCTCGAGTACCGCAAGACAGATGCCTTC[C>T]GCCGCCGCCGCTGGCGCCGTCGCATGGAGCCACTGGAGAAGACGGGGCCTGCAGCTGTGT-3'
Protein context (NP_001124459.1, residues 1098-1118): HLEYRKTDAF[Arg1108Cys]RRRWRRRMEP

ClinVar aggregate classification (germline): Uncertain significance. Review status: criteria provided, multiple submitters, no conflicts (2 of 4 stars). 4 submissions from 4 submitters: Uncertain significance (3). 1 of the submissions does not count toward it. Last evaluated 2022-10-27.

Conditions:
Neuromuscular disease caused by qualitative or quantitative defects of dysferlin. Also called: Dysferlinopathy; Qualitative or quantitative defects of dysferlin. Identifiers: Orphanet 207073, MedGen C2931687, MONDO:0016145.
Autosomal recessive limb-girdle muscular dystrophy type 2B (LGMDR2). Also called: MUSCULAR DYSTROPHY, LIMB-GIRDLE, TYPE 3; Limb-Girdle Muscular Dystrophy Type 2B (LGMD2B); Limb-girdle muscular dystrophy, type 2B; MUSCULAR DYSTROPHY, LIMB-GIRDLE, AUTOSOMAL RECESSIVE 2. Identifiers: Orphanet 268, MedGen C1850889, MONDO:0009676, OMIM 253601.

Allele frequency attached by ClinVar (database versions not stated): gnomAD 0.00001; ExAC 0.00002; gnomAD exomes 0.00002; TOPMed 0.00002; ESP Exome Variant Server 0.00008.
gnomAD v4.1: 15 of 1,613,262 alleles (0.00093%); highest among the groups gnomAD compares: Admixed American, 0.0033%; no homozygotes.

Submissions (4):

Revvity Omics, Revvity
Classification: Uncertain significance. Last evaluated: 2022-10-27. Review status: criteria provided, single submitter. Criteria: ACMG Guidelines, 2015. Collection method: clinical testing. Allele origin: germline.

Labcorp Genetics (formerly Invitae), Labcorp
Classification: Uncertain significance for Neuromuscular disease caused by qualitative or quantitative defects of dysferlin. Last evaluated: 2022-07-26. Review status: criteria provided, single submitter. Criteria: Invitae Variant Classification Sherloc (09022015). Collection method: clinical testing. Allele origin: germline.
Comment: This sequence change replaces arginine, which is basic and polar, with cysteine, which is neutral and slightly polar, at codon 1090 of the DYSF protein (p.Arg1090Cys). This variant is present in population databases (rs377079619, gnomAD 0.005%). This variant has not been reported in the literature in individuals affected with DYSF-related conditions. ClinVar contains an entry for this variant (Variation ID: 285577). Algorithms developed to predict the effect of missense changes on protein structure and function are either unavailable or do not agree on the potential impact of this missense change (SIFT: "Deleterious"; PolyPhen-2: "Probably Damaging"; Align-GVGD: "Class C0"). In summary, the available evidence is currently insufficient to determine the role of this variant in disease. Therefore, it has been classified as a Variant of Uncertain Significance.

Eurofins Ntd Llc (ga)
Classification: Uncertain significance. Last evaluated: 2016-01-08. Review status: criteria provided, single submitter. Criteria: EGL Classification Definitions 2015. Collection method: clinical testing. Allele origin: germline. Observed: 2 variant alleles, 2 heterozygotes.

Natera, Inc.
Classification: Uncertain significance for Limb-girdle muscular dystrophy type 2B. Last evaluated: 2020-09-16. Review status: no assertion criteria provided. Collection method: clinical testing. Allele origin: germline. Not counted in ClinVar's aggregate classification.